The following is an entry in ClinVar:

ClinVar aggregate classification (germline): Uncertain significance (1 of 4 stars; one submission).

Conditions:
Peroxisome biogenesis disorder 12A (Zellweger). Also called: Peroxisome biogenesis disorder 12A. Identifiers: Orphanet 912, MedGen C3554002, MONDO:0013951, OMIM 614886.

Allele frequency attached by ClinVar (database versions not stated): gnomAD exomes below 0.00001 and 0.00001; ExAC 0.00001.
gnomAD v4.1: 12 of 1,614,078 alleles (0.00074%); highest among the groups gnomAD compares: South Asian, 0.0033%; no homozygotes.

Submission:

Labcorp Genetics (formerly Invitae), Labcorp
Classification: Uncertain significance for Peroxisome biogenesis disorder 12A (Zellweger). Last evaluated: 2022-06-27. Review status: criteria provided, single submitter. Criteria: Invitae Variant Classification Sherloc (09022015). Collection method: clinical testing. Allele origin: germline.
Comment: In summary, the available evidence is currently insufficient to determine the role of this variant in disease. Therefore, it has been classified as a Variant of Uncertain Significance. Algorithms developed to predict the effect of missense changes on protein structure and function (SIFT, PolyPhen-2, Align-GVGD) all suggest that this variant is likely to be tolerated. This variant has not been reported in the literature in individuals affected with PEX19-related conditions. This variant is present in population databases (rs745314708, gnomAD 0.003%). This sequence change replaces lysine, which is basic and polar, with arginine, which is basic and polar, at codon 138 of the PEX19 protein (p.Lys138Arg).

NM_002857.4(PEX19):c.413A>G (p.Lys138Arg)

Gene: PEX19 (peroxisomal biogenesis factor 19; minus strand). Cytogenetic location: 1q23.2.
Variant type: single nucleotide variant.
Coding change: c.413A>G on transcript NM_002857.4 (MANE Select); coding-DNA position 413, A replaced by G.
Protein change: p.Lys138Arg; replaces lysine 138 with arginine.
Molecular consequence: missense variant. On other transcripts: non-coding transcript variant (1).
Genome position (GRCh38, 1-based): chr1:160,282,436, T>C on the plus strand (A>G on the coding strand, the complement: PEX19 is on the minus strand). VCF-style: chr1-160282436-T-C. GRCh37 (hg19) VCF-style: chr1-160252226-T-C.
Other names: c.413A>G, p.Lys138Arg (NM_001193644.1); short protein forms K138R.
Identifiers: ClinVar variation 1419397 (VCV001419397.6), dbSNP rs745314708, ClinGen allele CA1197372.